The following is an entry in ClinVar:

ClinVar aggregate classification (germline): Conflicting classifications of pathogenicity. Review status: criteria provided, conflicting classifications (1 of 4 stars). 7 submissions from 7 submitters: Uncertain significance (4); Likely benign (3). Last evaluated 2026-01-26.

Conditions:
Hereditary cancer-predisposing syndrome. Also called: Hereditary neoplastic syndrome; Tumor predisposition; Hereditary Cancer Syndrome; Neoplastic Syndromes, Hereditary. Identifiers: Orphanet 140162, MedGen C0027672, MeSH D009386, MONDO:0015356.
Familial cancer of breast. Also called: hereditary breast carcinoma; Hereditary breast cancer; BREAST CANCER, FAMILIAL. Identifiers: Orphanet 227535, MedGen C0346153, MONDO:0016419, OMIM 114480. Disease mechanism: loss of function.

Allele frequency attached by ClinVar (database versions not stated): ExAC 0.00002; TOPMed 0.00002; gnomAD 0.00006 and 0.00007; 1000 Genomes Project 30x 0.00031.
gnomAD v4.1: 29 of 1,614,112 alleles (0.0018%); highest among the groups gnomAD compares: African/African-American, 0.035%; no homozygotes.

Submissions (7):

Labcorp Genetics (formerly Invitae), Labcorp
Classification: Uncertain significance for Familial cancer of breast. Last evaluated: 2026-01-26. Review status: criteria provided, single submitter. Criteria: Invitae Variant Classification Sherloc (09022015). Collection method: clinical testing. Allele origin: germline.
Comment: This sequence change replaces methionine, which is neutral and non-polar, with leucine, which is neutral and non-polar, at codon 414 of the BARD1 protein (p.Met414Leu). This variant is present in population databases (rs759601398, gnomAD 0.02%). This variant has not been reported in the literature in individuals affected with BARD1-related conditions. ClinVar contains an entry for this variant (Variation ID: 219417). An algorithm developed to predict the effect of missense changes on protein structure and function (PolyPhen-2) suggests that this variant is likely to be tolerated. In summary, the available evidence is currently insufficient to determine the role of this variant in disease. Therefore, it has been classified as a Variant of Uncertain Significance.

Quest Diagnostics Nichols Institute San Juan Capistrano
Classification: Likely benign. Last evaluated: 2025-04-11. Review status: criteria provided, single submitter. Criteria: Quest Diagnostics criteria. Collection method: clinical testing. Allele origin: unknown.

Myriad Genetics, Inc.
Classification: Likely benign for Familial cancer of breast. Last evaluated: 2024-07-24. Review status: criteria provided, single submitter. Criteria: Myriad Autosomal Dominant, Autosomal Recessive and X-Linked Classification Criteria (2023). Collection method: clinical testing. Allele origin: unknown.
Comment: This variant is considered likely benign. This variant is strongly associated with less severe personal and family histories of cancer, typical for individuals without pathogenic variants in this gene [PMID: 25085752].

GeneDx
Classification: Uncertain significance. Last evaluated: 2024-07-22. Review status: criteria provided, single submitter. Criteria: GeneDx Variant Classification Process June 2021. Collection method: clinical testing. Allele origin: germline. Affected: yes.
Comment: Not observed at significant frequency in large population cohorts (gnomAD); In silico analysis indicates that this missense variant does not alter protein structure/function; Has not been previously published as pathogenic or benign to our knowledge

Color Diagnostics, LLC DBA Color Health
Classification: Uncertain significance for Hereditary cancer-predisposing syndrome. Last evaluated: 2024-03-07. Review status: criteria provided, single submitter. Criteria: ACMG Guidelines, 2015. Collection method: clinical testing. Allele origin: germline.
Comment: This missense variant replaces methionine with leucine at codon 414 of the BARD1 protein. Computational prediction suggests that this variant may not impact protein structure and function. To our knowledge, functional studies have not been reported for this variant. This variant has not been reported in individuals affected with BARD1-related disorders in the literature. This variant has been identified in 5/282356 chromosomes in the general population by the Genome Aggregation Database (gnomAD). The available evidence is insufficient to determine the role of this variant in disease conclusively. Therefore, this variant is classified as a Variant of Uncertain Significance.

Ambry Genetics
Classification: Likely benign for Hereditary cancer-predisposing syndrome. Last evaluated: 2024-02-26. Review status: criteria provided, single submitter. Criteria: Ambry Variant Classification Scheme 2023. Collection method: clinical testing. Allele origin: germline.

Women's Health and Genetics/Laboratory Corporation of America, LabCorp
Classification: Uncertain significance. Last evaluated: 2019-02-14. Review status: criteria provided, single submitter. Criteria: LabCorp Variant Classification Summary - May 2015. Collection method: clinical testing. Allele origin: germline.
Comment: Variant summary: BARD1 c.1240A>T (p.Met414Leu) results in a conservative amino acid change in the encoded protein sequence. Five of five in-silico tools predict a benign effect of the variant on protein function. The variant allele was found at a frequency of 1.8e-05 in 276678 control chromosomes, predominantly within the African subpopulation at a frequency of 0.00021 in the gnomAD database. The observed variant frequency within African control individuals in the gnomAD database is somewhat lower than the estimated maximal expected allele frequency for a pathogenic variant in BARD1 (0.00025), though the variant still might represent a benign polymorphism found primarily in populations of African origin. In addition, the variant was also reported in 2 / 2559 African American women (i.e. with a frequency of 0.00078), who were older than 70 years of age, and never had cancer (in the FLOSSIES database). To our knowledge, no occurrence of c.1240A>T in individuals affected with Hereditary Breast and Ovarian Cancer and no experimental evidence demonstrating its impact on protein function have been reported. Two clinical diagnostic laboratories have submitted clinical-significance assessments for this variant to ClinVar after 2014 without evidence for independent evaluation, and both of them classified the variant as uncertain significance. Based on the evidence outlined above, the variant was classified as VUS-possibly benign.

Literature cited by the submitters: PubMed 36922933 (cited by Quest Diagnostics Nichols Institute San Juan Capistrano); PubMed 25085752 (cited by Myriad Genetics, Inc.).

NM_000465.4(BARD1):c.1240A>T (p.Met414Leu)

Gene: BARD1 (BRCA1 associated RING domain 1; minus strand). Cytogenetic location: 2q35.
Variant type: single nucleotide variant.
Coding change: c.1240A>T on transcript NM_000465.4 (MANE Select); coding-DNA position 1240, A replaced by T.
Protein change: p.Met414Leu; replaces methionine 414 with leucine.
Molecular consequence: missense variant. On other transcripts: non-coding transcript variant (2), intron variant (3).
Genome position (GRCh38, 1-based): chr2:214,780,634, T>A on the plus strand (A>T on the coding strand, the complement: BARD1 is on the minus strand). VCF-style: chr2-214780634-T-A. GRCh37 (hg19) VCF-style: chr2-215645358-T-A.
Other names: c.1183A>T, p.Met395Leu (NM_001282543.2); c.159-28079A>T (NM_001282548.2); c.215+16427A>T (NM_001282545.2); c.364+11663A>T (NM_001282549.2); short protein forms M414L, M395L.
Identifiers: ClinVar variation 219417 (VCV000219417.25), dbSNP rs759601398, ClinGen allele CA350391.